The following is an entry in ClinVar:

ClinVar aggregate classification (germline): Uncertain significance. Review status: criteria provided, multiple submitters, no conflicts (2 of 4 stars). 3 submissions from 3 submitters: Uncertain significance (2). 1 of the submissions does not count toward it. Last evaluated 2022-11-15.

Conditions:
IFT172-related disorder. Also called: IFT172-related disorders; IFT172-related condition.
Short-rib thoracic dysplasia 10 with or without polydactyly (SRTD10). Identifiers: Orphanet 474, MedGen C3810175, MONDO:0014284, OMIM 615630.
Retinitis pigmentosa 71 (RP71). Identifiers: Orphanet 791, MedGen C4225342, MONDO:0014618, OMIM 616394.

Allele frequency attached by ClinVar (database versions not stated): gnomAD exomes below 0.00001; gnomAD 0.00001.
gnomAD v4.1: 5 of 1,602,478 alleles (0.00031%); highest among the groups gnomAD compares: Admixed American, 0.0033%; no homozygotes.

Submissions (3):

Labcorp Genetics (formerly Invitae), Labcorp
Classification: Uncertain significance for Retinitis pigmentosa 71; Short-rib thoracic dysplasia 10 with or without polydactyly. Last evaluated: 2022-11-15. Review status: criteria provided, single submitter. Criteria: Invitae Variant Classification Sherloc (09022015). Collection method: clinical testing. Allele origin: germline.
Comment: ClinVar contains an entry for this variant (Variation ID: 939809). Advanced modeling of protein sequence and biophysical properties (such as structural, functional, and spatial information, amino acid conservation, physicochemical variation, residue mobility, and thermodynamic stability) performed at Invitae indicates that this missense variant is not expected to disrupt IFT172 protein function. In summary, the available evidence is currently insufficient to determine the role of this variant in disease. Therefore, it has been classified as a Variant of Uncertain Significance. This variant has not been reported in the literature in individuals affected with IFT172-related conditions. This sequence change replaces asparagine, which is neutral and polar, with serine, which is neutral and polar, at codon 88 of the IFT172 protein (p.Asn88Ser). This variant is present in population databases (no rsID available, gnomAD 0.003%).

Blueprint Genetics
Classification: Uncertain significance. Last evaluated: 2021-09-10. Review status: criteria provided, single submitter. Criteria: ACMG Guidelines, 2015. Collection method: clinical testing. Allele origin: germline.

PreventionGenetics, part of Exact Sciences
Classification: Uncertain significance for IFT172-related condition. Last evaluated: 2024-03-09. Review status: no assertion criteria provided. Collection method: clinical testing. Allele origin: germline. Not counted in ClinVar's aggregate classification.
Comment: The IFT172 c.263A>G variant is predicted to result in the amino acid substitution p.Asn88Ser. To our knowledge, this variant has not been reported in the literature in individuals with IFT172-related disorders. This variant is reported in 0.0029% of alleles in individuals of Latino descent in gnomAD. At this time, the clinical significance of this variant is uncertain due to the absence of conclusive functional and genetic evidence.

NM_015662.3(IFT172):c.263A>G (p.Asn88Ser)

Gene: IFT172 (intraflagellar transport 172; minus strand). Cytogenetic location: 2p23.3.
Variant type: single nucleotide variant.
Coding change: c.263A>G on transcript NM_015662.3 (MANE Select); coding-DNA position 263, A replaced by G.
Protein change: p.Asn88Ser; replaces asparagine 88 with serine.
Molecular consequence: missense variant.
Genome position (GRCh38, 1-based): chr2:27,485,051, T>C on the plus strand (A>G on the coding strand, the complement: IFT172 is on the minus strand). VCF-style: chr2-27485051-T-C. GRCh37 (hg19) VCF-style: chr2-27707918-T-C.
Other names: short protein forms N88S.
Identifiers: ClinVar variation 939809 (VCV000939809.9), dbSNP rs1443634104, ClinGen allele CA346402434.